The following is an entry in ClinVar:

ClinVar aggregate classification (germline): Uncertain significance (1 of 4 stars; one submission).

Conditions:
Neuropathy, hereditary sensory, type 2C. Also called: KIF1A-Related HSAN2 (HSAN2C); Hereditary sensory and autonomic neuropathy type IIC. Identifiers: Orphanet 970, MedGen C3280168, MONDO:0013634, OMIM 614213.
Hereditary spastic paraplegia 30. Identifiers: Orphanet 101010, MedGen C5235139, MONDO:0012476.
Intellectual disability, autosomal dominant 9 (NESCAVS). Also called: KIF1A-Related Neurodevelopmental Disorder; NESCAV SYNDROME. Identifiers: Orphanet 662367, MedGen C5393830, MONDO:0013656, OMIM 614255.

Submission:

Labcorp Genetics (formerly Invitae), Labcorp
Classification: Uncertain significance for Hereditary spastic paraplegia 30; Neuropathy, hereditary sensory, type 2C; Intellectual disability, autosomal dominant 9. Last evaluated: 2025-06-18. Review status: criteria provided, single submitter. Criteria: Invitae Variant Classification Sherloc (09022015). Collection method: clinical testing. Allele origin: germline.
Comment: This sequence change replaces glycine, which is neutral and non-polar, with aspartic acid, which is acidic and polar, at codon 109 of the KIF1A protein (p.Gly109Asp). This variant is not present in population databases (gnomAD no frequency). This missense change has been observed in individual(s) with clinical features of hereditary spastic paraplegia (internal data). ClinVar contains an entry for this variant (Variation ID: 3749065). Invitae Evidence Modeling of protein sequence and biophysical properties (such as structural, functional, and spatial information, amino acid conservation, physicochemical variation, residue mobility, and thermodynamic stability) indicates that this missense variant is expected to disrupt KIF1A protein function with a positive predictive value of 95%. In summary, the available evidence is currently insufficient to determine the role of this variant in disease. Therefore, it has been classified as a Variant of Uncertain Significance.

NM_001244008.2(KIF1A):c.326G>A (p.Gly109Asp)

Gene: KIF1A (kinesin family member 1A; minus strand). Cytogenetic location: 2q37.3.
Variant type: single nucleotide variant.
Coding change: c.326G>A on transcript NM_001244008.2 (MANE Select); coding-DNA position 326, G replaced by A.
Protein change: p.Gly109Asp; replaces glycine 109 with aspartic acid.
Molecular consequence: missense variant.
Genome position (GRCh38, 1-based): chr2:240,788,088, C>T on the plus strand (G>A on the coding strand, the complement: KIF1A is on the minus strand). VCF-style: chr2-240788088-C-T. GRCh37 (hg19) VCF-style: chr2-241727505-C-T.
Other names: c.326G>A, p.Gly109Asp (NM_001320705.2, NM_001330289.2, NM_001330290.2 and 20 more transcripts); short protein forms G109D.
Identifiers: ClinVar variation 3749065 (VCV003749065.2).